The following is an entry in ClinVar:

NM_001282225.2(ADA2):c.115T>A (p.Leu39Met)

Gene: ADA2 (adenosine deaminase 2; minus strand). Cytogenetic location: 22q11.1.
Variant type: single nucleotide variant.
Coding change: c.115T>A on transcript NM_001282225.2 (MANE Select); coding-DNA position 115, T replaced by A.
Protein change: p.Leu39Met; replaces leucine 39 with methionine.
Molecular consequence: missense variant. On other transcripts: intron variant (1), 5 prime UTR variant (2).
Genome position (GRCh38, 1-based): chr22:17,209,563, A>T on the plus strand (T>A on the coding strand, the complement: ADA2 is on the minus strand). VCF-style: chr22-17209563-A-T. GRCh37 (hg19) VCF-style: chr22-17690453-A-T.
Other names: c.-38-2273T>A (NM_001282229.2); c.115T>A, p.Leu39Met (NM_001282226.2); c.-12T>A (NM_001282227.2, NM_001282228.2); short protein forms L39M.
Identifiers: ClinVar variation 1392257 (VCV001392257.9), dbSNP rs538213260, ClinGen allele CA10088330.
Genomic context (GRCh38, chr22:17,209,563, plus strand): 5'-CCAGCTCCTCCTTGGTGTTCAGCACCAGCCGCCCCCCCAGCCGCATCATCTTTTCTTTCA[A>T]CAACAGATGCGCCCGTGTTTCATCTATGGATAGAGCTGAGCCGAAGAAAGACATTGCCAC-3'
Protein context (NP_001269154.1, residues 29-49): SIDETRAHLL[Leu39Met]KEKMMRLGGR

ClinVar aggregate classification (germline): Uncertain significance. Review status: criteria provided, multiple submitters, no conflicts (2 of 4 stars). 2 submissions from 2 submitters: Uncertain significance (2). Last evaluated 2025-05-20.

Conditions:
Deficiency of adenosine deaminase 2. Also called: VASCULITIS, AUTOINFLAMMATION, IMMUNODEFICIENCY, AND HEMATOLOGIC DEFECTS SYNDROME; Polyarteritis nodosa, childhoood-onset; Adenosine Deaminase 2 Deficiency. Identifiers: Orphanet 404553, MedGen C3887654, MONDO:0014306, OMIM 615688, MONDO:0100317.

Allele frequency attached by ClinVar (database versions not stated): gnomAD exomes below 0.00001; ExAC 0.00001; gnomAD 0.00001; 1000 Genomes Project 30x 0.00016; 1000 Genomes Project 0.00020.
gnomAD v4.1: 2 of 1,614,064 alleles (0.00012%); highest among the groups gnomAD compares: African/African-American, 0.0013%; no homozygotes.

Submissions (2):

Women's Health and Genetics/Laboratory Corporation of America, LabCorp
Classification: Uncertain significance. Last evaluated: 2025-05-20. Review status: criteria provided, single submitter. Criteria: LabCorp Variant Classification Summary - May 2015. Collection method: clinical testing. Allele origin: germline.
Comment: Variant summary: ADA2 c.115T>A (p.Leu39Met) results in a conservative amino acid change in the encoded protein sequence. Algorithms developed to predict the effect of missense changes on protein structure and function all suggest that this variant is likely to be tolerated. The variant allele was found at a frequency of 4e-06 in 251366 control chromosomes. The available data on variant occurrences in the general population are insufficient to allow any conclusion about variant significance. To our knowledge, no occurrence of c.115T>A in individuals affected with Vasculitis due to ADA2 deficiency and no experimental evidence demonstrating its impact on protein function have been reported. ClinVar contains an entry for this variant (Variation ID: 1392257). Based on the evidence outlined above, the variant was classified as uncertain significance.

Labcorp Genetics (formerly Invitae), Labcorp
Classification: Uncertain significance for Deficiency of adenosine deaminase 2. Last evaluated: 2020-11-23. Review status: criteria provided, single submitter. Criteria: Invitae Variant Classification Sherloc (09022015). Collection method: clinical testing. Allele origin: germline.
Comment: In summary, the available evidence is currently insufficient to determine the role of this variant in disease. Therefore, it has been classified as a Variant of Uncertain Significance. Algorithms developed to predict the effect of missense changes on protein structure and function output the following: SIFT: "Tolerated"; PolyPhen-2: "Benign"; Align-GVGD: "Class C0". The methionine amino acid residue is found in multiple mammalian species, suggesting that this missense change does not adversely affect protein function. These predictions have not been confirmed by published functional studies and their clinical significance is uncertain. This variant has not been reported in the literature in individuals with ADA2-related conditions. This variant is present in population databases (rs538213260, ExAC 0.01%). This sequence change replaces leucine with methionine at codon 39 of the ADA2 protein (p.Leu39Met). The leucine residue is weakly conserved and there is a small physicochemical difference between leucine and methionine.